The following is an entry in ClinVar:

ClinVar aggregate classification (germline): Benign/Likely benign. Review status: criteria provided, multiple submitters, no conflicts (2 of 4 stars). 5 submissions from 5 submitters: Benign (1); Likely benign (4). Last evaluated 2026-07-22.

Conditions:
SMARCA4-related disorder. Also called: SMARCA4-related condition.
Hereditary cancer-predisposing syndrome. Also called: Hereditary Cancer Syndrome; Hereditary neoplastic syndrome; Neoplastic Syndromes, Hereditary; Tumor predisposition. Identifiers: Orphanet 140162, MedGen C0027672, MeSH D009386, MONDO:0015356.
Rhabdoid tumor predisposition syndrome 2 (RTPS2). Identifiers: Orphanet 231108, Orphanet 69077, MedGen C2750074, MONDO:0013224, OMIM 613325.

Allele frequency attached by ClinVar (database versions not stated): gnomAD exomes 0.00001 and 0.00002; gnomAD 0.00003 and 0.00002; TOPMed 0.00001; ExAC 0.00002; ESP Exome Variant Server 0.00008.

Submissions (5):

Myriad Genetics, Inc.
Classification: Benign for Rhabdoid tumor predisposition syndrome 2. Last evaluated: 2026-07-22. Review status: criteria provided, single submitter. Criteria: Myriad Autosomal Dominant, Autosomal Recessive and X-Linked Classification Criteria (2023). Collection method: clinical testing. Allele origin: unknown.
Comment: This variant is considered benign. This variant is a silent/synonymous amino acid change and it is not expected to impact splicing.

Labcorp Genetics (formerly Invitae), Labcorp
Classification: Likely benign for Rhabdoid tumor predisposition syndrome 2. Last evaluated: 2026-02-01. Review status: criteria provided, single submitter. Criteria: Invitae Variant Classification Sherloc (09022015). Collection method: clinical testing. Allele origin: germline.

PreventionGenetics, part of Exact Sciences
Classification: Likely benign for SMARCA4-related condition. Last evaluated: 2025-06-03. Review status: criteria provided, single submitter. Criteria: ACMG Guidelines, 2015. Collection method: clinical testing. Allele origin: germline.
Comment: This variant is classified as likely benign based on ACMG/AMP sequence variant interpretation guidelines (Richards et al. 2015 PMID: 25741868, with internal and published modifications).

Blueprint Genetics
Classification: Likely benign. Last evaluated: 2023-12-08. Review status: criteria provided, single submitter. Criteria: ACMG Guidelines, 2015. Collection method: clinical testing. Allele origin: germline.

Ambry Genetics
Classification: Likely benign for Hereditary cancer-predisposing syndrome. Last evaluated: 2016-02-04. Review status: criteria provided, single submitter. Criteria: Ambry Variant Classification Scheme 2023. Collection method: clinical testing. Allele origin: germline.

NM_003072.5(SMARCA4):c.4446C>T (p.Ser1482=)

Gene: SMARCA4 (SWI/SNF related BAF chromatin remodeling complex subunit ATPase 4; plus strand). Cytogenetic location: 19p13.2.
Variant type: single nucleotide variant.
Coding change: c.4446C>T on transcript NM_003072.5 (MANE Select); coding-DNA position 4446, C replaced by T.
Protein change: p.Ser1482=; no amino-acid change (serine 1482 retained).
Molecular consequence: synonymous variant. On other transcripts: non-coding transcript variant (1).
Genome position (GRCh38, 1-based): chr19:11,058,276, C>T. VCF-style: chr19-11058276-C-T. GRCh37 (hg19) VCF-style: chr19-11168952-C-T.
Other names: c.4446C>T, p.Ser1482= (NM_001128844.3); c.4356C>T, p.Ser1452= (NM_001128845.2); c.4353C>T, p.Ser1451= (NM_001128846.2); c.4347C>T, p.Ser1449= (NM_001128847.4, NM_001374457.1); c.4344C>T, p.Ser1448= (NM_001128848.2); c.4542C>T, p.Ser1514= (NM_001128849.3, NM_001387283.1).
Identifiers: ClinVar variation 415047 (VCV000415047.19), dbSNP rs368337504, ClinGen allele CA9204750.